The following is an entry in ClinVar:

NM_001083961.2(WDR62):c.3537G>A (p.Ala1179=)

Gene: WDR62 (WD repeat domain 62; plus strand). Cytogenetic location: 19q13.12.
Variant type: single nucleotide variant.
Coding change: c.3537G>A on transcript NM_001083961.2 (MANE Select); coding-DNA position 3537, G replaced by A.
Protein change: p.Ala1179=; no amino-acid change (alanine 1179 retained).
Molecular consequence: synonymous variant.
Genome position (GRCh38, 1-based): chr19:36,103,365, G>A. VCF-style: chr19-36103365-G-A. GRCh37 (hg19) VCF-style: chr19-36594267-G-A.
Other names: c.3522G>A, p.Ala1174= (NM_173636.5).
Identifiers: ClinVar variation 328927 (VCV000328927.11), dbSNP rs201341594, ClinGen allele CA9396337.

ClinVar aggregate classification (germline): Conflicting classifications of pathogenicity. Review status: criteria provided, conflicting classifications (1 of 4 stars). 3 submissions from 3 submitters: Uncertain significance (1); Likely benign (1). 1 of the submissions does not count toward it. Last evaluated 2023-09-21.

Conditions:
WDR62-related disorder. Also called: WDR62-related condition.
Microcephaly 2, primary, autosomal recessive, with or without cortical malformations. Also called: MICROCEPHALY 2, PRIMARY, AUTOSOMAL RECESSIVE, WITH CORTICAL MALFORMATIONS; WDR62 Primary Microcephaly. Identifiers: Orphanet 2512, MedGen C1858535, MONDO:0011435, OMIM 604317.

Allele frequency attached by ClinVar (database versions not stated): ExAC 0.00003; gnomAD 0.00003; TOPMed 0.00004; 1000 Genomes Project 30x 0.00016; 1000 Genomes Project 0.00020.
gnomAD v4.1: 202 of 1,614,040 alleles (0.013%); highest among the groups gnomAD compares: Non-Finnish European, 0.016%; no homozygotes.

Submissions (3):

Labcorp Genetics (formerly Invitae), Labcorp
Classification: Likely benign. Last evaluated: 2023-09-21. Review status: criteria provided, single submitter. Criteria: Invitae Variant Classification Sherloc (09022015). Collection method: clinical testing. Allele origin: germline.

Illumina Laboratory Services, Illumina
Classification: Uncertain significance for Microcephaly 2, primary, autosomal recessive, with or without cortical malformations. Last evaluated: 2018-01-12. Review status: criteria provided, single submitter. Criteria: ICSL Variant Classification Criteria 13 December 2019. Collection method: clinical testing. Allele origin: germline.

PreventionGenetics, part of Exact Sciences
Classification: Likely benign for WDR62-related condition. Last evaluated: 2019-02-27. Review status: no assertion criteria provided. Collection method: clinical testing. Allele origin: germline. Not counted in ClinVar's aggregate classification.
Comment: This variant is classified as likely benign based on ACMG/AMP sequence variant interpretation guidelines (Richards et al. 2015 PMID: 25741868, with internal and published modifications).